The following is an entry in ClinVar:

ClinVar aggregate classification (germline): Uncertain significance (1 of 4 stars; one submission).

Conditions:
Congenital myasthenic syndrome 13 (CMS13). Also called: Myasthenic syndrome, congenital, 13, with tubular aggregates; Myasthenic syndrome, congenital, with tubular aggregates 2. Identifiers: Orphanet 353327, Orphanet 590, MedGen C3553645, MONDO:0013883, OMIM 614750.
DPAGT1-congenital disorder of glycosylation. Also called: CDG Ij; DPAGT1-CDG; CONGENITAL DISORDER OF GLYCOSYLATION, TYPE Ij. Identifiers: Orphanet 86309, MedGen C2931004, MONDO:0011964, OMIM 608093.

Submission:

Labcorp Genetics (formerly Invitae), Labcorp
Classification: Uncertain significance for Congenital myasthenic syndrome 13; Congenital disorder of glycosylation type 1J. Last evaluated: 2018-09-21. Review status: criteria provided, single submitter. Criteria: Invitae Variant Classification Sherloc (09022015). Collection method: clinical testing. Allele origin: germline.
Comment: This sequence change falls in intron 7 of the DPAGT1 gene. It does not directly change the encoded amino acid sequence of the DPAGT1 protein, but it affects a nucleotide within the consensus splice site of the intron. This variant is not present in population databases (ExAC no frequency). This variant has not been reported in the literature in individuals with DPAGT1-related disease. Nucleotide substitutions within the consensus splice site are a relatively common cause of aberrant splicing (PMID: 17576681, 9536098). Algorithms developed to predict the effect of sequence changes on RNA splicing suggest that this variant is not likely to affect RNA splicing, but this prediction has not been confirmed by published transcriptional studies. In summary, the available evidence is currently insufficient to determine the role of this variant in disease. Therefore, it has been classified as a Variant of Uncertain Significance.

NM_001382.4(DPAGT1):c.1005+6A>T

Gene: DPAGT1 (dolichyl-phosphate N-acetylglucosaminephosphotransferase 1; minus strand). Cytogenetic location: 11q23.3.
Variant type: single nucleotide variant.
Coding change: c.1005+6A>T on transcript NM_001382.4 (MANE Select); 6 bases into the intron after coding-DNA position 1005, A replaced by T.
Molecular consequence: intron variant.
Genome position (GRCh38, 1-based): chr11:119,097,458, T>A on the plus strand (A>T on the coding strand, the complement: DPAGT1 is on the minus strand). VCF-style: chr11-119097458-T-A. GRCh37 (hg19) VCF-style: chr11-118968168-T-A.
Identifiers: ClinVar variation 647040 (VCV000647040.1), dbSNP rs1592225596, ClinGen allele CA915947804.